The following is an entry in ClinVar:

ClinVar aggregate classification (germline): Conflicting classifications of pathogenicity. Review status: criteria provided, conflicting classifications (1 of 4 stars). 3 submissions from 3 submitters: Uncertain significance (2); Benign (1). Last evaluated 2026-04-14.

Conditions:
COL11A1-related disorder. Also called: COL11A1-related condition; COL11A1-related disorders.

Allele frequency attached by ClinVar (database versions not stated): gnomAD 0.00001; gnomAD exomes 0.00002; ExAC 0.00005; 1000 Genomes Project 30x 0.00031.
gnomAD v4.1: 31 of 1,612,540 alleles (0.0019%); highest among the groups gnomAD compares: South Asian, 0.03%; no homozygotes.

Submissions (3):

PreventionGenetics, part of Exact Sciences
Classification: Uncertain significance for COL11A1-related condition. Last evaluated: 2026-04-14. Review status: criteria provided, single submitter. Criteria: ACMG Guidelines, 2015. Collection method: clinical testing. Allele origin: germline.
Comment: The COL11A1 c.361G>A variant is predicted to result in the amino acid substitution p.Glu121Lys. To our knowledge, this variant has not been reported in the literature. This variant is reported in 0.023% of alleles in individuals of South Asian descent in gnomAD. At this time, the clinical significance of this variant is uncertain due to the absence of conclusive functional and genetic evidence.

Labcorp Genetics (formerly Invitae), Labcorp
Classification: Benign. Last evaluated: 2024-01-04. Review status: criteria provided, single submitter. Criteria: Invitae Variant Classification Sherloc (09022015). Collection method: clinical testing. Allele origin: germline.

Mayo Clinic Laboratories, Mayo Clinic
Classification: Uncertain significance. Last evaluated: 2022-09-06. Review status: criteria provided, single submitter. Criteria: ACMG Guidelines, 2015. Collection method: clinical testing. Allele origin: germline. Observed: 1 variant allele.
Comment: BS2

NM_001854.4(COL11A1):c.361G>A (p.Glu121Lys)

Gene: COL11A1 (collagen type XI alpha 1 chain; minus strand). Cytogenetic location: 1p21.1.
Variant type: single nucleotide variant.
Coding change: c.361G>A on transcript NM_001854.4 (MANE Select); coding-DNA position 361, G replaced by A.
Protein change: p.Glu121Lys; replaces glutamic acid 121 with lysine.
Molecular consequence: missense variant. On other transcripts: non-coding transcript variant (1).
Genome position (GRCh38, 1-based): chr1:103,078,785, C>T on the plus strand (G>A on the coding strand, the complement: COL11A1 is on the minus strand). VCF-style: chr1-103078785-C-T. GRCh37 (hg19) VCF-style: chr1-103544341-C-T.
Other names: p.Glu121Lys; c.361G>A, p.Glu121Lys (NM_001168249.1, NM_001190709.2, NM_080629.3 and 1 more transcripts); short protein forms E121K.
Identifiers: ClinVar variation 2683722 (VCV002683722.5), dbSNP rs762173332, ClinGen allele CA975474.